The following is an entry in ClinVar:

NM_006031.6(PCNT):c.5189G>A (p.Arg1730Gln)

Gene: PCNT (pericentrin; plus strand). Cytogenetic location: 21q22.3.
Variant type: single nucleotide variant.
Coding change: c.5189G>A on transcript NM_006031.6 (MANE Select); coding-DNA position 5189, G replaced by A.
Protein change: p.Arg1730Gln; replaces arginine 1730 with glutamine.
Molecular consequence: missense variant.
Genome position (GRCh38, 1-based): chr21:46,411,262, G>A. VCF-style: chr21-46411262-G-A. GRCh37 (hg19) VCF-style: chr21-47831176-G-A.
Other names: c.5189G>A (NM_006031.5); c.4835G>A, p.Arg1612Gln (NM_001315529.2); short protein forms R1730Q, R1612Q.
Identifiers: ClinVar variation 2977971 (VCV002977971.5), dbSNP rs780082128, ClinGen allele CA10079922.
Genomic context (GRCh38, chr21:46,411,262, plus strand): 5'-GAAGTTCTGAGATTGAAGAGCTGAAAGCCACTATTGAAAATCTGCAAGAGAATCAGAAAC[G>A]ATTACAAAAGGAGAAAGCAGAGGAAATTGAACAACTCCATGAAGTCATTGAGAAGCTGCA-3'
Protein context (NP_006022.3, residues 1720-1740): TIENLQENQK[Arg1730Gln]LQKEKAEEIE

ClinVar aggregate classification (germline): Uncertain significance. Review status: criteria provided, multiple submitters, no conflicts (2 of 4 stars). 2 submissions from 2 submitters: Uncertain significance (2). Last evaluated 2025-04-04.

Conditions:
PCNT-related disorder. Also called: PCNT-related condition.

Allele frequency attached by ClinVar (database versions not stated): gnomAD 0.00001; ExAC 0.00003.
gnomAD v4.1: 21 of 1,614,018 alleles (0.0013%); highest among the groups gnomAD compares: Admixed American, 0.015%; no homozygotes.

Submissions (2):

PreventionGenetics, part of Exact Sciences
Classification: Uncertain significance for PCNT-related condition. Last evaluated: 2025-04-04. Review status: criteria provided, single submitter. Criteria: ACMG Guidelines, 2015. Collection method: clinical testing. Allele origin: germline.
Comment: The PCNT c.5189G>A variant is predicted to result in the amino acid substitution p.Arg1730Gln. To our knowledge, this variant has not been reported in the literature. This variant is reported in 0.023% of alleles in individuals of Latino descent in gnomAD. At this time, the clinical significance of this variant is uncertain due to the absence of conclusive functional and genetic evidence.

Labcorp Genetics (formerly Invitae), Labcorp
Classification: Uncertain significance. Last evaluated: 2025-01-06. Review status: criteria provided, single submitter. Criteria: Invitae Variant Classification Sherloc (09022015). Collection method: clinical testing. Allele origin: germline.
Comment: This sequence change replaces arginine, which is basic and polar, with glutamine, which is neutral and polar, at codon 1730 of the PCNT protein (p.Arg1730Gln). This variant is present in population databases (rs780082128, gnomAD 0.02%). This variant has not been reported in the literature in individuals affected with PCNT-related conditions. ClinVar contains an entry for this variant (Variation ID: 2977971). An algorithm developed to predict the effect of missense changes on protein structure and function outputs the following: PolyPhen-2: "Possibly Damaging". The glutamine amino acid residue is found in multiple mammalian species, which suggests that this missense change does not adversely affect protein function. In summary, the available evidence is currently insufficient to determine the role of this variant in disease. Therefore, it has been classified as a Variant of Uncertain Significance.